The following is an entry in ClinVar:

NM_003036.4(SKI):c.487G>A (p.Val163Ile)

Gene: SKI (SKI proto-oncogene; plus strand). Cytogenetic location: 1p36.33.
Variant type: single nucleotide variant.
Coding change: c.487G>A on transcript NM_003036.4 (MANE Select); coding-DNA position 487, G replaced by A.
Protein change: p.Val163Ile; replaces valine 163 with isoleucine.
Molecular consequence: missense variant.
Genome position (GRCh38, 1-based): chr1:2,229,253, G>A. VCF-style: chr1-2229253-G-A. GRCh37 (hg19) VCF-style: chr1-2160692-G-A.
Other names: short protein forms V163I.
Identifiers: ClinVar variation 239479 (VCV000239479.10), dbSNP rs878854599, ClinGen allele CA10581765.

ClinVar aggregate classification (germline): Uncertain significance. Review status: criteria provided, multiple submitters, no conflicts (2 of 4 stars). 3 submissions from 3 submitters: Uncertain significance (3). Last evaluated 2024-11-14.

Conditions:
Familial thoracic aortic aneurysm and aortic dissection (TAAD). Also called: Thoracic aortic aneurysms and dissections. Identifiers: Orphanet 91387, MedGen C4707243, MONDO:0019625.
Shprintzen-Goldberg syndrome (SGS). Also called: SHPRINTZEN-GOLDBERG CRANIOSYNOSTOSIS SYNDROME; Marfanoid disorder with craniosynostosis type 1; Marfanoid craniosynostosis syndrome; Shprintzen-Goldberg marfanoid syndrome; CRANIOSYNOSTOSIS WITH ARACHNODACTYLY AND ABDOMINAL HERNIAS. Identifiers: Orphanet 2462, MedGen C1321551, MONDO:0008426, OMIM 182212.

Allele frequency attached by ClinVar (database versions not stated): gnomAD exomes below 0.00001.
gnomAD v4.1: 1 of 1,602,476 alleles (0.000062%); highest among the groups gnomAD compares: Non-Finnish European, 0.000085%; no homozygotes.

Submissions (3):

Labcorp Genetics (formerly Invitae), Labcorp
Classification: Uncertain significance for Shprintzen-Goldberg syndrome. Last evaluated: 2024-11-14. Review status: criteria provided, single submitter. Criteria: Invitae Variant Classification Sherloc (09022015). Collection method: clinical testing. Allele origin: germline.
Comment: This sequence change replaces valine, which is neutral and non-polar, with isoleucine, which is neutral and non-polar, at codon 163 of the SKI protein (p.Val163Ile). This variant is not present in population databases (gnomAD no frequency). This variant has not been reported in the literature in individuals affected with SKI-related conditions. ClinVar contains an entry for this variant (Variation ID: 239479). Invitae Evidence Modeling of protein sequence and biophysical properties (such as structural, functional, and spatial information, amino acid conservation, physicochemical variation, residue mobility, and thermodynamic stability) indicates that this missense variant is not expected to disrupt SKI protein function with a negative predictive value of 95%. In summary, the available evidence is currently insufficient to determine the role of this variant in disease. Therefore, it has been classified as a Variant of Uncertain Significance.

Ambry Genetics
Classification: Uncertain significance for Familial thoracic aortic aneurysm and aortic dissection. Last evaluated: 2024-06-28. Review status: criteria provided, single submitter. Criteria: Ambry Variant Classification Scheme 2023. Collection method: clinical testing. Allele origin: germline.
Comment: The p.V163I variant (also known as c.487G>A), located in coding exon 1 of the SKI gene, results from a G to A substitution at nucleotide position 487. The valine at codon 163 is replaced by isoleucine, an amino acid with highly similar properties. This amino acid position is conserved. In addition, the in silico prediction for this alteration is inconclusive. Based on the available evidence, the clinical significance of this variant remains unclear.

Blueprint Genetics
Classification: Uncertain significance. Last evaluated: 2023-05-16. Review status: criteria provided, single submitter. Criteria: ACMG Guidelines, 2015. Collection method: clinical testing. Allele origin: germline.